The following is an entry in ClinVar:

NM_002775.5(HTRA1):c.443T>A (p.Ile148Asn)

Gene: HTRA1 (HtrA serine peptidase 1; plus strand). Cytogenetic location: 10q26.13.
Variant type: single nucleotide variant.
Coding change: c.443T>A on transcript NM_002775.5 (MANE Select); coding-DNA position 443, T replaced by A.
Protein change: p.Ile148Asn; replaces isoleucine 148 with asparagine.
Molecular consequence: missense variant.
Genome position (GRCh38, 1-based): chr10:122,462,095, T>A. VCF-style: chr10-122462095-T-A. GRCh37 (hg19) VCF-style: chr10-124221611-T-A.
Other names: short protein forms I148N.
Identifiers: ClinVar variation 3375447 (VCV003375447.1).

ClinVar aggregate classification (germline): Uncertain significance (1 of 4 stars; one submission).

gnomAD v4.1: 17 of 1,533,970 alleles (0.0011%); highest among the groups gnomAD compares: Non-Finnish European, 0.0014%; no homozygotes.

Submission:

Women's Health and Genetics/Laboratory Corporation of America, LabCorp
Classification: Uncertain significance. Last evaluated: 2024-09-16. Review status: criteria provided, single submitter. Criteria: LabCorp Variant Classification Summary - May 2015. Collection method: clinical testing. Allele origin: germline.
Comment: Variant summary: HTRA1 c.443T>A (p.Ile148Asn) results in a non-conservative amino acid change located in the Kazal domain (IPR002350) of the encoded protein sequence. Three of five in-silico tools predict a damaging effect of the variant on protein function. The variant was absent in 128042 control chromosomes. The available data on variant occurrences in the general population are insufficient to allow any conclusion about variant significance. To our knowledge, no occurrence of c.443T>A in individuals affected with HTRA1-Related Cerebral Small Vessel Disease and no experimental evidence demonstrating its impact on protein function have been reported. No submitters have cited clinical-significance assessments for this variant to ClinVar. Based on the evidence outlined above, the variant was classified as uncertain significance.